The following is an entry in ClinVar:

NM_012234.7(RYBP):c.446A>G (p.Lys149Arg)

Gene: RYBP (RING1 and YY1 binding protein; minus strand). Cytogenetic location: 3p13.
Variant type: single nucleotide variant.
Coding change: c.446A>G on transcript NM_012234.7 (MANE Select); coding-DNA position 446, A replaced by G.
Protein change: p.Lys149Arg; replaces lysine 149 with arginine.
Molecular consequence: missense variant.
Genome position (GRCh38, 1-based): chr3:72,378,626, T>C on the plus strand (A>G on the coding strand, the complement: RYBP is on the minus strand). VCF-style: chr3-72378626-T-C. GRCh37 (hg19) VCF-style: chr3-72427777-T-C.
Other names: short protein forms K149R.
Identifiers: ClinVar variation 4851749 (VCV004851749.1).
Genomic context (GRCh38, chr3:72,378,626, plus strand): 5'-ATGACGGTGACGTTGCCCACAGTTACTGCCAACTGCTGTGCAGTGCTCCTGTCCACGTTT[T>C]TCAGCCGGGGCCTAGAAGCAACACCACAGGGGAAGAGCCAATTAAGTAAGTTATGGATCA-3'
Protein context (NP_036366.3, residues 139-159): ETNHTSRPRL[Lys149Arg]NVDRSTAQQL

ClinVar aggregate classification (germline): Uncertain significance (1 of 4 stars; one submission).

Submission:

Greenwood Genetic Center Diagnostic Laboratories, Greenwood Genetic Center
Classification: Uncertain significance. Last evaluated: 2025-01-22. Review status: criteria provided, single submitter. Criteria: ACMG Guidelines, 2015. Collection method: clinical testing. Allele origin: germline.
Comment: Gene of Uncertain Significance